The following is an entry in ClinVar:

NM_006035.4(CDC42BPB):c.2578-22A>G

Gene: CDC42BPB (CDC42 binding protein kinase beta; minus strand). Cytogenetic location: 14q32.32.
Variant type: single nucleotide variant.
Coding change: c.2578-22A>G on transcript NM_006035.4 (MANE Select); 22 bases into the intron before coding-DNA position 2578, A replaced by G.
Molecular consequence: intron variant.
Genome position (GRCh38, 1-based): chr14:102,964,672, T>C on the plus strand (A>G on the coding strand, the complement: CDC42BPB is on the minus strand). VCF-style: chr14-102964672-T-C. GRCh37 (hg19) VCF-style: chr14-103431009-T-C.
Other names: c.2578-22A>G (NM_001411054.1).
Identifiers: ClinVar variation 3777912 (VCV003777912.7).

ClinVar aggregate classification (germline): Likely benign (1 of 4 stars; one submission).

gnomAD v4.1: 755 of 1,579,854 alleles (0.048%); highest among the groups gnomAD compares: East Asian, 1.3%; 4 homozygotes.

Submission:

CeGaT Center for Human Genetics Tuebingen
Classification: Likely benign. Last evaluated: 2025-03-01. Review status: criteria provided, single submitter. Criteria: CeGaT Center For Human Genetics Tuebingen Variant Classification Criteria Version 2. Collection method: clinical testing. Allele origin: germline. Affected: yes. Observed: 1 variant allele.
Comment: CDC42BPB: BS1